The following is an entry in ClinVar:

ClinVar aggregate classification (germline): Uncertain significance (1 of 4 stars; one submission).

Conditions:
Ullrich congenital muscular dystrophy 2 (UCMD2). Identifiers: Orphanet 75840, MedGen C4225314, MONDO:0014654, OMIM 616470.
Bethlem myopathy 2 (BTHLM2). Identifiers: Orphanet 536516, Orphanet 610, MedGen C4225313, MONDO:0034022, OMIM 616471.

Allele frequency attached by ClinVar (database versions not stated): gnomAD exomes below 0.00001.

Submission:

Labcorp Genetics (formerly Invitae), Labcorp
Classification: Uncertain significance for Bethlem myopathy 2; Ullrich congenital muscular dystrophy 2. Last evaluated: 2022-06-04. Review status: criteria provided, single submitter. Criteria: Invitae Variant Classification Sherloc (09022015). Collection method: clinical testing. Allele origin: germline.
Comment: This sequence change replaces phenylalanine, which is neutral and non-polar, with leucine, which is neutral and non-polar, at codon 2499 of the COL12A1 protein (p.Phe2499Leu). This variant is present in population databases (no rsID available, gnomAD 0.0009%). This variant has not been reported in the literature in individuals affected with COL12A1-related conditions. ClinVar contains an entry for this variant (Variation ID: 933481). Algorithms developed to predict the effect of missense changes on protein structure and function are either unavailable or do not agree on the potential impact of this missense change (SIFT: "Deleterious"; PolyPhen-2: "Probably Damaging"; Align-GVGD: "Class C15"). In summary, the available evidence is currently insufficient to determine the role of this variant in disease. Therefore, it has been classified as a Variant of Uncertain Significance.

NM_004370.6(COL12A1):c.7497T>G (p.Phe2499Leu)

Gene: COL12A1 (collagen type XII alpha 1 chain; minus strand). Cytogenetic location: 6q13.
Variant type: single nucleotide variant.
Coding change: c.7497T>G on transcript NM_004370.6 (MANE Select); coding-DNA position 7497, T replaced by G.
Protein change: p.Phe2499Leu; replaces phenylalanine 2499 with leucine.
Molecular consequence: missense variant.
Genome position (GRCh38, 1-based): chr6:75,117,404, A>C on the plus strand (T>G on the coding strand, the complement: COL12A1 is on the minus strand). VCF-style: chr6-75117404-A-C. GRCh37 (hg19) VCF-style: chr6-75827120-A-C.
Other names: c.4005T>G, p.Phe1335Leu (NM_080645.3); short protein forms F2499L, F1335L.
Identifiers: ClinVar variation 933481 (VCV000933481.10), dbSNP rs1470111741, ClinGen allele CA364746312.